The following is an entry in ClinVar:

NM_000088.4(COL1A1):c.1925del (p.Phe642fs)

Gene: COL1A1 (collagen type I alpha 1 chain; minus strand). Cytogenetic location: 17q21.33.
Variant type: Deletion.
Coding change: c.1925del on transcript NM_000088.4 (MANE Select); coding-DNA position 1925, one base deleted (T; older notation c.1925delT).
Protein change: p.Phe642fs; shifts the reading frame from phenylalanine 642.
Molecular consequence: frameshift variant.
Genome position (GRCh38, 1-based): chr17:50,192,644, A deleted on the plus strand (T on the coding strand, the reverse complement: COL1A1 is on the minus strand); the first of 2 consecutive A bases (chr17:50,192,644-50,192,645); deleting either gives the same sequence. VCF-style (leftmost placement, unchanged base first): chr17-50192643-GA-G. GRCh37 (hg19) VCF-style: chr17-48270004-GA-G.
Other names: short protein forms F642fs.
Identifiers: ClinVar variation 2767323 (VCV002767323.3), dbSNP rs2509206647, ClinGen allele CA2697560405.

ClinVar aggregate classification (germline): Pathogenic (1 of 4 stars; one submission).

Conditions:
Osteogenesis imperfecta type I (OI1). Also called: Classic Non-deforming Osteogenesis Imperfecta with Blue Sclerae; OI, TYPE I; OSTEOGENESIS IMPERFECTA TARDA; OSTEOGENESIS IMPERFECTA WITH BLUE SCLERAE; Osteogenesis imperfecta type 1; Lobstein's Disease. Identifiers: Orphanet 216796, Orphanet 666, MedGen C0023931, MONDO:0008146, OMIM 166200. Disease mechanism: loss of function.

Submission:

Labcorp Genetics (formerly Invitae), Labcorp
Classification: Pathogenic for Osteogenesis imperfecta type I. Last evaluated: 2023-10-09. Review status: criteria provided, single submitter. Criteria: Invitae Variant Classification Sherloc (09022015). Collection method: clinical testing. Allele origin: germline.
Comment: This sequence change creates a premature translational stop signal (p.Phe642Serfs*124) in the COL1A1 gene. It is expected to result in an absent or disrupted protein product. Loss-of-function variants in COL1A1 are known to be pathogenic (PMID: 7942841, 9295084, 9443882). This variant is not present in population databases (gnomAD no frequency). This variant has not been reported in the literature in individuals affected with COL1A1-related conditions. For these reasons, this variant has been classified as Pathogenic.

Literature cited by the submitters: PubMed 7942841; PubMed 9295084; PubMed 9443882.